The following is an entry in ClinVar:

NM_001042517.2(DIAPH3):c.3579A>C (p.Leu1193Phe)

Gene: DIAPH3 (diaphanous related formin 3; minus strand). Cytogenetic location: 13q21.2.
Variant type: single nucleotide variant.
Coding change: c.3579A>C on transcript NM_001042517.2 (MANE Select); coding-DNA position 3579, A replaced by C.
Protein change: p.Leu1193Phe; replaces leucine 1193 with phenylalanine.
Molecular consequence: missense variant.
Genome position (GRCh38, 1-based): chr13:59,666,587, T>G on the plus strand (A>C on the coding strand, the complement: DIAPH3 is on the minus strand). VCF-style: chr13-59666587-T-G. GRCh37 (hg19) VCF-style: chr13-60240721-T-G.
Other names: c.3546A>C, p.Leu1182Phe (NM_001258366.2); c.3441A>C, p.Leu1147Phe (NM_001258367.2); c.3369A>C, p.Leu1123Phe (NM_001258368.2); short protein forms L1193F, L1147F, L1123F, L1182F.
Identifiers: ClinVar variation 3708746 (VCV003708746.2).

ClinVar aggregate classification (germline): Uncertain significance (1 of 4 stars; one submission).

gnomAD v4.1: 8 of 1,613,958 alleles (0.0005%); highest among the groups gnomAD compares: Admixed American, 0.013%; no homozygotes.

Submission:

Labcorp Genetics (formerly Invitae), Labcorp
Classification: Uncertain significance. Last evaluated: 2025-01-27. Review status: criteria provided, single submitter. Criteria: Invitae Variant Classification Sherloc (09022015). Collection method: clinical testing. Allele origin: germline.
Comment: This sequence change replaces leucine, which is neutral and non-polar, with phenylalanine, which is neutral and non-polar, at codon 1193 of the DIAPH3 protein (p.Leu1193Phe). This variant is present in population databases (rs375648930, gnomAD 0.02%). This variant has not been reported in the literature in individuals affected with DIAPH3-related conditions. Experimental studies and prediction algorithms are not available or were not evaluated, and the functional significance of this variant is currently unknown. In summary, the available evidence is currently insufficient to determine the role of this variant in disease. Therefore, it has been classified as a Variant of Uncertain Significance.